The following is an entry in ClinVar:

ClinVar aggregate classification (germline): Likely pathogenic (1 of 4 stars; one submission).

Conditions:
Tooth agenesis, selective, 7 (STHAG7). Identifiers: Orphanet 99798, MedGen C4225231, MONDO:0014749, OMIM 616724.

Submission:

Center of Excellence in Precision Medicine and Digital Health (CEPMDH), Faculty of Dentistry, Chulalongkorn University
Classification: Likely pathogenic for Tooth agenesis, selective, 7. Review status: criteria provided, single submitter. Criteria: ACMG Guidelines, 2015. Collection method: research. Allele origin: de novo. Inheritance: Autosomal dominant inheritance. Affected: yes. Observed: 1 variant allele, 1 heterozygote.
Comment: This variant is located in the LDL recepter class B domain and predicted to be pathogenic by multiple prediction tools. The missense variant in this domain have been reported in the patients with familal tooth agenesis (PMID: 34834569). It was classified as likely pathogenic according to ACMG standard guidelines for variant classification.

Literature cited by the submitters: PubMed 34834569.

NM_002336.3(LRP6):c.1231G>T (p.Asp411Tyr)

Gene: LRP6 (LDL receptor related protein 6; minus strand). Cytogenetic location: 12p13.2.
Variant type: single nucleotide variant.
Coding change: c.1231G>T on transcript NM_002336.3 (MANE Select); coding-DNA position 1231, G replaced by T.
Protein change: p.Asp411Tyr; replaces aspartic acid 411 with tyrosine.
Molecular consequence: missense variant. On other transcripts: non-coding transcript variant (1).
Genome position (GRCh38, 1-based): chr12:12,181,185, C>A on the plus strand (G>T on the coding strand, the complement: LRP6 is on the minus strand). VCF-style: chr12-12181185-C-A. GRCh37 (hg19) VCF-style: chr12-12334119-C-A.
Other names: c.1231G>T, p.Asp411Tyr (NM_001414244.1, NM_001414245.1, NM_001414246.1 and 5 more transcripts); c.1033G>T, p.Asp345Tyr (NM_001414247.1); c.778G>T, p.Asp260Tyr (NM_001414252.1, NM_001414253.1, NM_001414254.1); short protein forms D260Y, D345Y, D411Y.
Identifiers: ClinVar variation 3900613 (VCV003900613.1).
Genomic context (GRCh38, chr12:12,181,185, plus strand): 5'-TTGTCACTTCTATTCGATCAGTGCCAGTGTCTGTCCAATAAAGATTTCGTGCAACCCAGT[C>A]CACAGCAATACCATCAGGATGGGCAATTTGAGCAGTGACCACAAACTGACTGCCAGATCC-3'
Protein context (NP_002327.2, residues 401-421): QIAHPDGIAV[Asp411Tyr]WVARNLYWTD